The following is an entry in ClinVar:

NM_004656.4(BAP1):c.250C>A (p.His84Asn)

Gene: BAP1 (BRCA1 associated deubiquitinase 1; minus strand). Cytogenetic location: 3p21.1.
Variant type: single nucleotide variant.
Coding change: c.250C>A on transcript NM_004656.4 (MANE Select); coding-DNA position 250, C replaced by A.
Protein change: p.His84Asn; replaces histidine 84 with asparagine.
Molecular consequence: missense variant.
Genome position (GRCh38, 1-based): chr3:52,408,479, G>T on the plus strand (C>A on the coding strand, the complement: BAP1 is on the minus strand). VCF-style: chr3-52408479-G-T. GRCh37 (hg19) VCF-style: chr3-52442495-G-T.
Other names: c.250C>A, p.His84Asn (NM_001410772.1); short protein forms H84N.
Identifiers: ClinVar variation 3644688 (VCV003644688.2).

ClinVar aggregate classification (germline): Uncertain significance (1 of 4 stars; one submission).

Conditions:
BAP1-related tumor predisposition syndrome (TPDS1). Also called: COMMON Syndrome; Tumor susceptibility linked to germline BAP1 mutations; TUMOR PREDISPOSITION SYNDROME 1; BAP1 tumor predisposition syndrome. Identifiers: Orphanet 289539, MedGen C3280492, MONDO:0013692, OMIM 614327.

Submission:

Labcorp Genetics (formerly Invitae), Labcorp
Classification: Uncertain significance for BAP1-related tumor predisposition syndrome. Last evaluated: 2024-03-06. Review status: criteria provided, single submitter. Criteria: Invitae Variant Classification Sherloc (09022015). Collection method: clinical testing. Allele origin: germline.
Comment: This sequence change replaces histidine, which is basic and polar, with asparagine, which is neutral and polar, at codon 84 of the BAP1 protein (p.His84Asn). This variant is not present in population databases (gnomAD no frequency). This variant has not been reported in the literature in individuals affected with BAP1-related conditions. Advanced modeling of protein sequence and biophysical properties (such as structural, functional, and spatial information, amino acid conservation, physicochemical variation, residue mobility, and thermodynamic stability) has been performed at Invitae for this missense variant, however the output from this modeling did not meet the statistical confidence thresholds required to predict the impact of this variant on BAP1 protein function. In summary, the available evidence is currently insufficient to determine the role of this variant in disease. Therefore, it has been classified as a Variant of Uncertain Significance.